The following is an entry in ClinVar:

ClinVar aggregate classification (germline): Uncertain significance (1 of 4 stars; one submission).

Conditions:
Hereditary cancer-predisposing syndrome. Also called: Neoplastic Syndromes, Hereditary; Tumor predisposition; Hereditary Cancer Syndrome; Hereditary neoplastic syndrome. Identifiers: Orphanet 140162, MedGen C0027672, MeSH D009386, MONDO:0015356.

Submission:

Ambry Genetics
Classification: Uncertain significance for Hereditary cancer-predisposing syndrome. Last evaluated: 2022-04-19. Review status: criteria provided, single submitter. Criteria: Ambry Variant Classification Scheme 2023. Collection method: clinical testing. Allele origin: germline.
Comment: The p.S579T variant (also known as c.1735T>A), located in coding exon 6 of the BLM gene, results from a T to A substitution at nucleotide position 1735. The serine at codon 579 is replaced by threonine, an amino acid with similar properties. This amino acid position is conserved. In addition, this alteration is predicted to be tolerated by in silico analysis. Since supporting evidence is limited at this time, the clinical significance of this alteration remains unclear.

NM_000057.4(BLM):c.1735T>A (p.Ser579Thr)

Gene: BLM (BLM RecQ like helicase; plus strand). Cytogenetic location: 15q26.1.
Variant type: single nucleotide variant.
Coding change: c.1735T>A on transcript NM_000057.4 (MANE Select); coding-DNA position 1735, T replaced by A.
Protein change: p.Ser579Thr; replaces serine 579 with threonine.
Molecular consequence: missense variant.
Genome position (GRCh38, 1-based): chr15:90,761,108, T>A. VCF-style: chr15-90761108-T-A. GRCh37 (hg19) VCF-style: chr15-91304338-T-A.
Other names: c.1735T>A, p.Ser579Thr (NM_001287246.2, NM_001287247.2); c.610T>A, p.Ser204Thr (NM_001287248.2); short protein forms S204T, S579T.
Identifiers: ClinVar variation 1779068 (VCV001779068.3), dbSNP rs2505428564, ClinGen allele CA393843733.
Genomic context (GRCh38, chr15:90,761,108, plus strand): 5'-GATGACTTTGATGATGATGATGACTGGGAAGACATAATGCATAATTTAGCAGCCAGCAAA[T>A]CTTCCACAGCTGCCTATCAACCCATCAAGGAAGGTCGGCCAATTAAATCAGTATCAGAAA-3'
Protein context (NP_000048.1, residues 569-589): DIMHNLAASK[Ser579Thr]STAAYQPIKE